The following is an entry in ClinVar:

ClinVar aggregate classification (germline): Uncertain significance. Review status: criteria provided, multiple submitters, no conflicts (2 of 4 stars). 2 submissions from 2 submitters: Uncertain significance (2). Last evaluated 2025-04-06.

Conditions:
PLXNA3-related disorder. Also called: PLXNA3-related condition.

gnomAD v4.1: 33 of 1,210,224 alleles (0.0027%); highest among the groups gnomAD compares: South Asian, 0.0053%; no homozygotes.

Submissions (2):

Ambry Genetics
Classification: Uncertain significance. Last evaluated: 2025-04-06. Review status: criteria provided, single submitter. Criteria: Ambry Variant Classification Scheme 2023. Collection method: clinical testing. Allele origin: germline.

PreventionGenetics, part of Exact Sciences
Classification: Uncertain significance for PLXNA3-related condition. Last evaluated: 2025-01-13. Review status: criteria provided, single submitter. Criteria: ACMG Guidelines, 2015. Collection method: clinical testing. Allele origin: germline.
Comment: The PLXNA3 c.4741T>C variant is predicted to result in the amino acid substitution p.Ser1581Pro. To our knowledge, this variant has not been reported in the literature. This variant is reported in 0.010% of alleles in individuals of South Asian descent in gnomAD including four hemizygous individuals. These frequencies are higher than expected for a disease-causing variant. Although we suspect that this variant may be benign, at this time, the clinical significance of this variant is uncertain due to the absence of conclusive functional and genetic evidence.

NM_017514.5(PLXNA3):c.4741T>C (p.Ser1581Pro)

Gene: PLXNA3 (plexin A3; plus strand). Cytogenetic location: Xq28.
Variant type: single nucleotide variant.
Coding change: c.4741T>C on transcript NM_017514.5 (MANE Select); coding-DNA position 4741, T replaced by C.
Protein change: p.Ser1581Pro; replaces serine 1581 with proline.
Molecular consequence: missense variant.
Genome position (GRCh38, 1-based): chrX:154,469,730, T>C. VCF-style: chrX-154469730-T-C. GRCh37 (hg19) VCF-style: chrX-153698073-T-C.
Other names: short protein forms S1581P.
Identifiers: ClinVar variation 3934792 (VCV003934792.2).
Genomic context (GRCh38, chrX:154,469,730, plus strand): 5'-TGTCTCTGGGGCCTCCAGGTGACAGACGGTTCCTTGGTGGCATTGGTGCCCAAACAAGTG[T>C]CTGCCTATAACATGGCCAACTCCTTCACCTTCACCCGCTCCCTCAGCCGCTACGGTAGGT-3'
Protein context (NP_059984.3, residues 1571-1591): SLVALVPKQV[Ser1581Pro]AYNMANSFTF